The following is an entry in ClinVar:

ClinVar aggregate classification (germline): Uncertain significance (1 of 4 stars; one submission).

Allele frequency attached by ClinVar (database versions not stated): gnomAD 0.00001; TOPMed 0.00001; ExAC 0.00002; gnomAD exomes 0.00003 and 0.00004.
gnomAD v4.1: 52 of 1,613,578 alleles (0.0032%); highest among the groups gnomAD compares: Admixed American, 0.005%; no homozygotes.

Submission:

Labcorp Genetics (formerly Invitae), Labcorp
Classification: Uncertain significance. Last evaluated: 2022-07-25. Review status: criteria provided, single submitter. Criteria: Invitae Variant Classification Sherloc (09022015). Collection method: clinical testing. Allele origin: germline.
Comment: This sequence change replaces proline, which is neutral and non-polar, with leucine, which is neutral and non-polar, at codon 1149 of the LAMC3 protein (p.Pro1149Leu). This variant is present in population databases (rs745565555, gnomAD 0.009%). This variant has not been reported in the literature in individuals affected with LAMC3-related conditions. ClinVar contains an entry for this variant (Variation ID: 1465894). Algorithms developed to predict the effect of missense changes on protein structure and function output the following: SIFT: "Deleterious"; PolyPhen-2: "Benign"; Align-GVGD: "Class C0". The leucine amino acid residue is found in multiple mammalian species, which suggests that this missense change does not adversely affect protein function. In summary, the available evidence is currently insufficient to determine the role of this variant in disease. Therefore, it has been classified as a Variant of Uncertain Significance.

NM_006059.4(LAMC3):c.3446C>T (p.Pro1149Leu)

Gene: LAMC3 (laminin subunit gamma 3; plus strand). Cytogenetic location: 9q34.12.
Variant type: single nucleotide variant.
Coding change: c.3446C>T on transcript NM_006059.4 (MANE Select); coding-DNA position 3446, C replaced by T.
Protein change: p.Pro1149Leu; replaces proline 1149 with leucine.
Molecular consequence: missense variant.
Genome position (GRCh38, 1-based): chr9:131,073,273, C>T. VCF-style: chr9-131073273-C-T. GRCh37 (hg19) VCF-style: chr9-133948660-C-T.
Other names: short protein forms P1149L.
Identifiers: ClinVar variation 1465894 (VCV001465894.3), dbSNP rs745565555, ClinGen allele CA5287793.